The following is an entry in ClinVar:

ClinVar aggregate classification (germline): Uncertain significance (1 of 4 stars; one submission).

Conditions:
Arthrogryposis, distal, type 1A. Also called: ARTHROGRYPOSIS MULTIPLEX CONGENITA, DISTAL, TYPE I. Identifiers: Orphanet 1146, MedGen C6022280, MONDO:0007157, OMIM 108120.

Allele frequency attached by ClinVar (database versions not stated): gnomAD exomes below 0.00001 and 0.00001; gnomAD 0.00001; ExAC 0.00002.
gnomAD v4.1: 8 of 1,614,050 alleles (0.0005%); highest among the groups gnomAD compares: South Asian, 0.0088%; no homozygotes.

Submission:

Labcorp Genetics (formerly Invitae), Labcorp
Classification: Uncertain significance for Arthrogryposis, distal, type 1A. Last evaluated: 2022-07-19. Review status: criteria provided, single submitter. Criteria: Invitae Variant Classification Sherloc (09022015). Collection method: clinical testing. Allele origin: germline.
Comment: This sequence change replaces alanine, which is neutral and non-polar, with valine, which is neutral and non-polar, at codon 83 of the TPM2 protein (p.Ala83Val). This variant is present in population databases (rs770922057, gnomAD 0.01%). This variant has not been reported in the literature in individuals affected with TPM2-related conditions. ClinVar contains an entry for this variant (Variation ID: 1483416). Algorithms developed to predict the effect of missense changes on protein structure and function are either unavailable or do not agree on the potential impact of this missense change (SIFT: "Deleterious"; PolyPhen-2: "Benign"; Align-GVGD: "Class C0"). Algorithms developed to predict the effect of sequence changes on RNA splicing suggest that this variant may create or strengthen a splice site. In summary, the available evidence is currently insufficient to determine the role of this variant in disease. Therefore, it has been classified as a Variant of Uncertain Significance.

NM_003289.4(TPM2):c.248C>T (p.Ala83Val)

Gene: TPM2 (tropomyosin 2; minus strand). Cytogenetic location: 9p13.3.
Variant type: single nucleotide variant.
Coding change: c.248C>T on transcript NM_003289.4 (MANE Select); coding-DNA position 248, C replaced by T.
Protein change: p.Ala83Val; replaces alanine 83 with valine.
Molecular consequence: missense variant.
Genome position (GRCh38, 1-based): chr9:35,685,773, G>A on the plus strand (C>T on the coding strand, the complement: TPM2 is on the minus strand). VCF-style: chr9-35685773-G-A. GRCh37 (hg19) VCF-style: chr9-35685770-G-A.
Other names: c.248C>T, p.Ala83Val (NM_001301226.2, NM_001301227.2, NM_213674.1); short protein forms A83V.
Identifiers: ClinVar variation 1483416 (VCV001483416.8), dbSNP rs770922057, ClinGen allele CA5047405.
Genomic context (GRCh38, chr9:35,685,773, plus strand): 5'-TGGGCCCGGTCCAGCTCCTCCTCAACCAGCTGAATGCGGCGGTTCAGGGAGGCCACATCT[G>A]CCTCAGCCTGTGGGTCAGAGGTCAGGGGTCAAAAAGGCCTTGTTAGCCTTGGATAAGGAT-3'
Protein context (NP_003280.2, residues 73-93): QAEKKATDAE[Ala83Val]DVASLNRRIQ